The following is an entry in ClinVar:

NM_001148.6(ANK2):c.6055A>G (p.Lys2019Glu)

Genes: ANK2 (ankyrin 2; plus strand), LOC126807136 (MED14-independent group 3 enhancer GRCh37_chr4:114274931-114276130; plus strand). Cytogenetic location: 4q26.
Variant type: single nucleotide variant.
Coding change: c.6055A>G on transcript NM_001148.6 (MANE Select); coding-DNA position 6055, A replaced by G.
Protein change: p.Lys2019Glu; replaces lysine 2019 with glutamic acid.
Molecular consequence: missense variant. On other transcripts: intron variant (68).
Genome position (GRCh38, 1-based): chr4:113,354,673, A>G. VCF-style: chr4-113354673-A-G. GRCh37 (hg19) VCF-style: chr4-114275829-A-G.
Other names: c.5821A>G, p.Lys1941Glu (NM_001386142.1); c.2455A>G, p.Lys819Glu (NM_001386166.1); c.6196A>G, p.Lys2066Glu (NM_001386174.1); c.6172A>G, p.Lys2058Glu (NM_001386175.1); c.4411+4424A>G (NM_001386186.2, NM_001386148.2); c.4213+4424A>G (NM_001354269.3); c.4291+4424A>G (NM_001386187.2); c.4252+4424A>G (NM_001386147.1); and 35 more; short protein forms K2019E, K1941E, K2058E, K2066E, K819E.
Identifiers: ClinVar variation 191408 (VCV000191408.1), dbSNP rs199614634, ClinGen allele CA236555.

ClinVar aggregate classification (germline): Uncertain significance (1 of 4 stars; one submission).

Submission:

Biesecker Lab/Clinical Genomics Section, National Institutes of Health
Classification: Uncertain significance. Last evaluated: 2013-06-24. Review status: criteria provided, single submitter. Criteria: Ng et al. (Circ Cardiovasc Genet. 2013). Collection method: research. Allele origin: unknown. Observed: 1 variant allele. Study: ClinSeq.
Comment: The study set was not selected for affection status in relation to any cancer. Pathogenicity categories were based on literature curation. See Pubmed ID:23861362 for details.

Medical sequencing